The following is an entry in ClinVar:

ClinVar aggregate classification (germline): Conflicting classifications of pathogenicity. Review status: criteria provided, conflicting classifications (1 of 4 stars). 2 submissions from 2 submitters: Uncertain significance (1); Likely benign (1). Last evaluated 2025-08-12.

gnomAD v4.1: 135 of 1,498,618 alleles (0.009%); highest among the groups gnomAD compares: Admixed American, 0.04%; no homozygotes.

Submissions (2):

Labcorp Genetics (formerly Invitae), Labcorp
Classification: Uncertain significance. Last evaluated: 2025-08-12. Review status: criteria provided, single submitter. Criteria: Invitae Variant Classification Sherloc (09022015). Collection method: clinical testing. Allele origin: germline.
Comment: This sequence change replaces glutamic acid, which is acidic and polar, with aspartic acid, which is acidic and polar, at codon 2342 of the WDR87 protein (p.Glu2342Asp). This variant is present in population databases (rs147358187, gnomAD 0.06%). This variant has not been reported in the literature in individuals affected with WDR87-related conditions. An algorithm developed to predict the effect of missense changes on protein structure and function outputs the following: PolyPhen-2: "Not Available". The aspartic acid amino acid residue is found in multiple mammalian species, which suggests that this missense change does not adversely affect protein function. In summary, the available evidence is currently insufficient to determine the role of this variant in disease. Therefore, it has been classified as a Variant of Uncertain Significance.

Ambry Genetics
Classification: Likely benign. Last evaluated: 2025-07-16. Review status: criteria provided, single submitter. Criteria: Ambry Variant Classification Scheme 2023. Collection method: clinical testing. Allele origin: germline.

NM_001291088.2(WDR87):c.7143G>T (p.Glu2381Asp)

Gene: WDR87 (WD repeat domain 87; minus strand). Cytogenetic location: 19q13.13.
Variant type: single nucleotide variant.
Coding change: c.7143G>T on transcript NM_001291088.2 (MANE Select); coding-DNA position 7143, G replaced by T.
Protein change: p.Glu2381Asp; replaces glutamic acid 2381 with aspartic acid.
Molecular consequence: missense variant.
Genome position (GRCh38, 1-based): chr19:37,886,528, C>A on the plus strand (G>T on the coding strand, the complement: WDR87 is on the minus strand). VCF-style: chr19-37886528-C-A. GRCh37 (hg19) VCF-style: chr19-38377168-C-A.
Other names: c.7026G>T, p.Glu2342Asp (NM_031951.5); short protein forms E2342D, E2381D.
Identifiers: ClinVar variation 4201075 (VCV004201075.2).